The following is an entry in ClinVar:

NM_001206927.2(DNAH8):c.10284G>A (p.Lys3428=)

Genes: DNAH8 (dynein axonemal heavy chain 8; plus strand), DNAH8-AS1 (DNAH8 antisense RNA 1; minus strand). Cytogenetic location: 6p21.2.
Variant type: single nucleotide variant.
Coding change: c.10284G>A on transcript NM_001206927.2 (MANE Select); coding-DNA position 10284, G replaced by A.
Protein change: p.Lys3428=; no amino-acid change (lysine 3428 retained).
Molecular consequence: synonymous variant.
Genome position (GRCh38, 1-based): chr6:38,917,382, G>A. VCF-style: chr6-38917382-G-A. GRCh37 (hg19) VCF-style: chr6-38885158-G-A.
Other names: c.9633G>A, p.Lys3211= (NM_001371.4).
Identifiers: ClinVar variation 4742311 (VCV004742311.2).

ClinVar aggregate classification (germline): Conflicting classifications of pathogenicity. Review status: criteria provided, conflicting classifications (1 of 4 stars). 2 submissions from 2 submitters: Uncertain significance (1); Likely benign (1). Last evaluated 2025-06-11.

Conditions:
Primary ciliary dyskinesia. Also called: Ciliary dyskinesia. Identifiers: Orphanet 244, MedGen C0008780, MONDO:0016575, HP:0012265.

gnomAD v4.1: 33 of 1,613,506 alleles (0.002%); highest among the groups gnomAD compares: African/African-American, 0.028%; no homozygotes.

Submissions (2):

Labcorp Genetics (formerly Invitae), Labcorp
Classification: Likely benign for Primary ciliary dyskinesia. Last evaluated: 2025-06-11. Review status: criteria provided, single submitter. Criteria: Invitae Variant Classification Sherloc (09022015). Collection method: clinical testing. Allele origin: germline.

Greenwood Genetic Center Diagnostic Laboratories, Greenwood Genetic Center
Classification: Uncertain significance. Last evaluated: 2025-02-26. Review status: criteria provided, single submitter. Criteria: ACMG Guidelines, 2015. Collection method: clinical testing. Allele origin: germline.
Comment: BP4